The following is an entry in ClinVar:

ClinVar aggregate classification (germline): Uncertain significance (1 of 4 stars; one submission).

gnomAD v4.1: 12 of 1,613,332 alleles (0.00074%); highest among the groups gnomAD compares: African/African-American, 0.0013%; no homozygotes.

Submission:

GeneDx
Classification: Uncertain significance. Last evaluated: 2025-04-22. Review status: criteria provided, single submitter. Criteria: GeneDx Variant Classification Process June 2021. Collection method: clinical testing. Allele origin: germline. Affected: yes.
Comment: Not observed at significant frequency in large population cohorts (gnomAD); In silico analysis supports a deleterious effect on splicing; Has not been previously published as pathogenic or benign to our knowledge

NM_000092.5(COL4A4):c.595-3T>A

Gene: COL4A4 (collagen type IV alpha 4 chain; minus strand). Cytogenetic location: 2q36.3.
Variant type: single nucleotide variant.
Coding change: c.595-3T>A on transcript NM_000092.5 (MANE Select); 3 bases into the intron before coding-DNA position 595, T replaced by A.
Molecular consequence: intron variant.
Genome position (GRCh38, 1-based): chr2:227,109,289, A>T on the plus strand (T>A on the coding strand, the complement: COL4A4 is on the minus strand). VCF-style: chr2-227109289-A-T. GRCh37 (hg19) VCF-style: chr2-227974005-A-T.
Identifiers: ClinVar variation 4527111 (VCV004527111.1).